The following is an entry in ClinVar:

ClinVar aggregate classification (germline): Pathogenic (1 of 4 stars; one submission).

Conditions:
Multiple acyl-CoA dehydrogenase deficiency (MADD). Also called: Glutaric aciduria, type 2; ETHYLMALONIC-ADIPICACIDURIA; GA II; Glutaric Acidemia type 2; Glutaric acidemia type II; GA 2. Identifiers: Orphanet 26791, MedGen C0268596, MONDO:0009282, OMIM 231680.

Submission:

Labcorp Genetics (formerly Invitae), Labcorp
Classification: Pathogenic for Multiple acyl-CoA dehydrogenase deficiency. Last evaluated: 2022-03-07. Review status: criteria provided, single submitter. Criteria: Invitae Variant Classification Sherloc (09022015). Collection method: clinical testing. Allele origin: germline.
Comment: For these reasons, this variant has been classified as Pathogenic. This variant disrupts a region of the ETFDH protein in which other variant(s) (p.Arg175His) have been determined to be pathogenic (PMID: 18289905, 21347544, 29988809). This suggests that this is a clinically significant region of the protein, and that variants that disrupt it are likely to be disease-causing. This variant has not been reported in the literature in individuals affected with ETFDH-related conditions. This variant results in the deletion of exons 5-6 and part of exon 7 (c.488-134_766delins87) of the ETFDH gene. It is expected to disrupt RNA splicing. Variants that disrupt the donor or acceptor splice site typically lead to a loss of protein function (PMID: 16199547), and loss-of-function variants in ETFDH are known to be pathogenic (PMID: 16510302, 23785301).

Literature cited by the submitters: PubMed 18289905; PubMed 21347544; PubMed 29988809; PubMed 16199547; PubMed 16510302; PubMed 23785301.

NC_000004.11:g.(?_159606119)_(159616730_?)del

Gene: ETFDH (electron transfer flavoprotein dehydrogenase; plus strand). Cytogenetic location: 4q32.1.
Variant type: Deletion.
Identifiers: ClinVar variation 2425119 (VCV002425119.5).